The following is an entry in ClinVar:

NM_001365068.1(ASTN2):c.376G>A (p.Glu126Lys)

Gene: ASTN2 (astrotactin 2; minus strand). Cytogenetic location: 9q33.1.
Variant type: single nucleotide variant.
Coding change: c.376G>A on transcript NM_001365068.1 (MANE Select); coding-DNA position 376, G replaced by A.
Protein change: p.Glu126Lys; replaces glutamic acid 126 with lysine.
Molecular consequence: missense variant.
Genome position (GRCh38, 1-based): chr9:117,414,563, C>T on the plus strand (G>A on the coding strand, the complement: ASTN2 is on the minus strand). VCF-style: chr9-117414563-C-T. GRCh37 (hg19) VCF-style: chr9-120176841-C-T.
Other names: c.376G>A, p.Glu126Lys (NM_001365069.1, NM_014010.5); short protein forms E126K.
Identifiers: ClinVar variation 4988119 (VCV004988119.1).

ClinVar aggregate classification (germline): Uncertain significance (1 of 4 stars; one submission).

Conditions:
ASTN2-related disorder. Also called: ASTN2-related condition.

gnomAD v4.1: 2 of 1,602,068 alleles (0.00012%); highest among the groups gnomAD compares: Non-Finnish European, 0.000085%; no homozygotes.

Submission:

PreventionGenetics, part of Exact Sciences
Classification: Uncertain significance for ASTN2-related condition. Last evaluated: 2024-11-25. Review status: criteria provided, single submitter. Criteria: ACMG Guidelines, 2015. Collection method: clinical testing. Allele origin: germline.
Comment: The ASTN2 c.376G>A variant is predicted to result in the amino acid substitution p.Glu126Lys. To our knowledge, this variant has not been reported in the literature or in a large population database (gnomAD), indicating this variant is rare. At this time, the clinical significance of this variant is uncertain due to the absence of conclusive functional and genetic evidence.